The following is an entry in ClinVar:

NM_001943.5(DSG2):c.1281-16G>T

Gene: DSG2 (desmoglein 2; plus strand). Cytogenetic location: 18q12.1.
Variant type: single nucleotide variant.
Coding change: c.1281-16G>T on transcript NM_001943.5 (MANE Select); 16 bases into the intron before coding-DNA position 1281, G replaced by T.
Molecular consequence: intron variant.
Genome position (GRCh38, 1-based): chr18:31,535,254, G>T. VCF-style: chr18-31535254-G-T. GRCh37 (hg19) VCF-style: chr18-29115217-G-T.
Identifiers: ClinVar variation 668738 (VCV000668738.8), dbSNP rs756914573, ClinGen allele CA041935.

ClinVar aggregate classification (germline): Likely benign. Review status: criteria provided, multiple submitters, no conflicts (2 of 4 stars). 2 submissions from 2 submitters: Likely benign (2). Last evaluated 2025-10-17.

Conditions:
Arrhythmogenic right ventricular dysplasia 10. Also called: ARRHYTHMOGENIC RIGHT VENTRICULAR DYSPLASIA, FAMILIAL, 10; Arrhythmogenic Right Ventricular Dysplasia/Cardiomyopathy10; Arrhythmogenic right ventricular dysplasia/cardiomyopathy, type 10. Identifiers: MedGen C1857777, MONDO:0012434, OMIM 610193.

Allele frequency attached by ClinVar (database versions not stated): gnomAD 0.00001; TOPMed 0.00001; gnomAD exomes 0.00002; ExAC 0.00003.
gnomAD v4.1: 19 of 1,534,916 alleles (0.0012%); highest among the groups gnomAD compares: Non-Finnish European, 0.0017%; no homozygotes.

Submissions (2):

Labcorp Genetics (formerly Invitae), Labcorp
Classification: Likely benign for Arrhythmogenic right ventricular dysplasia 10. Last evaluated: 2025-10-17. Review status: criteria provided, single submitter. Criteria: Invitae Variant Classification Sherloc (09022015). Collection method: clinical testing. Allele origin: germline.

GeneDx
Classification: Likely benign. Last evaluated: 2018-05-23. Review status: criteria provided, single submitter. Criteria: GeneDx Variant Classification (06012015). Collection method: clinical testing. Allele origin: germline. Affected: yes.
Comment: This variant is considered likely benign or benign based on one or more of the following criteria: it is a conservative change, it occurs at a poorly conserved position in the protein, it is predicted to be benign by multiple in silico algorithms, and/or has population frequency not consistent with disease.